The following is an entry in ClinVar:

NM_001330260.2(SCN8A):c.485+5_485+8del

Gene: SCN8A (sodium voltage-gated channel alpha subunit 8; plus strand). Cytogenetic location: 12q13.13.
Variant type: Microsatellite.
Coding change: c.485+5_485+8del on transcript NM_001330260.2 (MANE Select); bases 5 to 8 of the intron after coding-DNA position 485, 4 bases deleted (GTAA; older notation c.485+5_485+8delGTAA).
Molecular consequence: splice donor variant.
Genome position (GRCh38, 1-based): chr12:51,686,462-51,686,465, GTAA deleted; deleting any 4 consecutive bases within chr12:51,686,457-51,686,465 gives the same sequence; the c. name uses the placement nearest the transcript's 3' end. VCF-style (leftmost placement, unchanged base first): chr12-51686456-GAGTA-G. GRCh37 (hg19) VCF-style: chr12-52080240-GAGTA-G.
Other names: c.485+5_485+8del (NM_014191.4, NM_001177984.3, NM_001369788.1).
Identifiers: ClinVar variation 4795631 (VCV004795631.1).
Genomic context (GRCh38, chr12:51,686,456, plus strand): 5'-ATTTTGACCAACTGTGTATTCATGACTTTTAGTAACCCTCCTGACTGGTCGAAGAATGTG[GAGTA>G]AGTAACTCATTTATGTGTGTGCTTGTTTGTTTTAAATATTTTTAGTCACTAAATCTTGCT-3'

ClinVar aggregate classification (germline): Uncertain significance (1 of 4 stars; one submission).

Submission:

GeneDx
Classification: Uncertain significance. Last evaluated: 2025-08-12. Review status: criteria provided, single submitter. Criteria: GeneDx Variant Classification Process June 2021. Collection method: clinical testing. Allele origin: germline. Affected: yes.
Comment: Intronic +5 splice site variant in a gene for which loss of function is a known mechanism of disease, and both splice predictors and evolutionary conservation support a deleterious effect, although in the absence of functional evidence the actual effect of this sequence change is unknown.; Not observed at significant frequency in large population cohorts (gnomAD); Has not been previously published as pathogenic or benign to our knowledge